The following is an entry in ClinVar:

ClinVar aggregate classification (germline): Uncertain significance (1 of 4 stars; one submission).

Conditions:
Generalized epilepsy-paroxysmal dyskinesia syndrome (PNKD3). Also called: Generalized epilepsy and paroxysmal dyskinesia; Paroxysmal nonkinesigenic dyskinesia, 3, with or without generalized epilepsy. Identifiers: Orphanet 79137, MedGen C5574945, MONDO:0012276, OMIM 609446.

Submission:

Labcorp Genetics (formerly Invitae), Labcorp
Classification: Uncertain significance for Generalized epilepsy-paroxysmal dyskinesia syndrome. Last evaluated: 2018-11-24. Review status: criteria provided, single submitter. Criteria: Invitae Variant Classification Sherloc (09022015). Collection method: clinical testing. Allele origin: germline.
Comment: This sequence change replaces phenylalanine with serine at codon 209 of the KCNMA1 protein (p.Phe209Ser). The phenylalanine residue is moderately conserved and there is a large physicochemical difference between phenylalanine and serine. In summary, the available evidence is currently insufficient to determine the role of this variant in disease. Therefore, it has been classified as a Variant of Uncertain Significance. Algorithms developed to predict the effect of missense changes on protein structure and function are either unavailable or do not agree on the potential impact of this missense change (SIFT: "Deleterious"; PolyPhen-2: "Possibly Damaging"; Align-GVGD: "Class C0"). This variant has not been reported in the literature in individuals with KCNMA1-related conditions. This variant is not present in population databases (ExAC no frequency).

NM_001161352.2(KCNMA1):c.626T>C (p.Phe209Ser)

Gene: KCNMA1 (potassium calcium-activated channel subfamily M alpha 1; minus strand). Cytogenetic location: 10q22.3.
Variant type: single nucleotide variant.
Coding change: c.626T>C on transcript NM_001161352.2 (MANE Select); coding-DNA position 626, T replaced by C.
Protein change: p.Phe209Ser; replaces phenylalanine 209 with serine.
Molecular consequence: missense variant.
Genome position (GRCh38, 1-based): chr10:77,184,893, A>G on the plus strand (T>C on the coding strand, the complement: KCNMA1 is on the minus strand). VCF-style: chr10-77184893-A-G. GRCh37 (hg19) VCF-style: chr10-78944651-A-G.
Other names: c.626T>C, p.Phe209Ser (NM_001014797.3, NM_001161353.2, NM_001271519.2 and 7 more transcripts); c.464T>C, p.Phe155Ser (NM_001271518.2); c.86T>C, p.Phe29Ser (NM_001322838.2); short protein forms F155S, F209S, F29S.
Identifiers: ClinVar variation 654613 (VCV000654613.9), dbSNP rs1598200324, ClinGen allele CA377410695.
Genomic context (GRCh38, chr10:77,184,893, plus strand): 5'-AAGTAGAGAAGGAAGAACACGTTGAAAGCCATGTCGATCTGTAATGTGAAATCTTTGTAG[A>G]AATTCTGGCAGGATTCTATTGGGCTATTAGACAGGAAGAAGAAAAAGCAAGAGGTAAATG-3'
Protein context (NP_001154824.1, residues 199-219): SSNPIESCQN[Phe209Ser]YKDFTLQIDM